The following is an entry in ClinVar:

NM_004260.4(RECQL4):c.2907C>G (p.Cys969Trp)

Gene: RECQL4 (RecQ like helicase 4; minus strand). Cytogenetic location: 8q24.3.
Variant type: single nucleotide variant.
Coding change: c.2907C>G on transcript NM_004260.4 (MANE Select); coding-DNA position 2907, C replaced by G.
Protein change: p.Cys969Trp; replaces cysteine 969 with tryptophan.
Molecular consequence: missense variant.
Genome position (GRCh38, 1-based): chr8:144,512,540, G>C on the plus strand (C>G on the coding strand, the complement: RECQL4 is on the minus strand). VCF-style: chr8-144512540-G-C. GRCh37 (hg19) VCF-style: chr8-145737923-G-C.
Other names: short protein forms C969W.
Identifiers: ClinVar variation 528998 (VCV000528998.5), dbSNP rs772780752, ClinGen allele CA4948007.

ClinVar aggregate classification (germline): Uncertain significance (1 of 4 stars; one submission).

Conditions:
Baller-Gerold syndrome (BGS). Also called: CRANIOSYNOSTOSIS WITH RADIAL DEFECTS. Identifiers: Orphanet 1225, MedGen C0265308, MONDO:0009039, OMIM 218600.

Allele frequency attached by ClinVar (database versions not stated): ExAC 0.00002; gnomAD 0.00014 and 0.00015; gnomAD exomes 0.00003; TOPMed 0.00004.
gnomAD v4.1: 31 of 1,612,474 alleles (0.0019%); highest among the groups gnomAD compares: Admixed American, 0.05%; no homozygotes.

Submission:

Labcorp Genetics (formerly Invitae), Labcorp
Classification: Uncertain significance for Baller-Gerold syndrome. Last evaluated: 2024-12-04. Review status: criteria provided, single submitter. Criteria: Invitae Variant Classification Sherloc (09022015). Collection method: clinical testing. Allele origin: germline.
Comment: This sequence change replaces cysteine, which is neutral and slightly polar, with tryptophan, which is neutral and slightly polar, at codon 969 of the RECQL4 protein (p.Cys969Trp). This variant is present in population databases (rs772780752, gnomAD 0.02%). This variant has not been reported in the literature in individuals affected with RECQL4-related conditions. ClinVar contains an entry for this variant (Variation ID: 528998). Invitae Evidence Modeling of protein sequence and biophysical properties (such as structural, functional, and spatial information, amino acid conservation, physicochemical variation, residue mobility, and thermodynamic stability) indicates that this missense variant is not expected to disrupt RECQL4 protein function with a negative predictive value of 80%. In summary, the available evidence is currently insufficient to determine the role of this variant in disease. Therefore, it has been classified as a Variant of Uncertain Significance.